The following is an entry in ClinVar:

NM_000256.3(MYBPC3):c.2512G>T (p.Glu838Ter)

Gene: MYBPC3 (myosin binding protein C3; minus strand). Cytogenetic location: 11p11.2.
Variant type: single nucleotide variant.
Coding change: c.2512G>T on transcript NM_000256.3 (MANE Select); coding-DNA position 2512, G replaced by T.
Protein change: p.Glu838Ter; replaces glutamic acid 838 with a stop codon.
Molecular consequence: nonsense.
Genome position (GRCh38, 1-based): chr11:47,337,481, C>A on the plus strand (G>T on the coding strand, the complement: MYBPC3 is on the minus strand). VCF-style: chr11-47337481-C-A. GRCh37 (hg19) VCF-style: chr11-47359032-C-A.
Other names: c.2512G>T, p.Glu838Ter (LRG_386t1); short protein forms E838*.
Identifiers: ClinVar variation 454316 (VCV000454316.8), dbSNP rs397515969, ClinGen allele CA380318215.

ClinVar aggregate classification (germline): Conflicting classifications of pathogenicity. Review status: criteria provided, conflicting classifications (1 of 4 stars). 2 submissions from 2 submitters: Pathogenic (1); Uncertain significance (1). Last evaluated 2024-03-25.

Conditions:
Hypertrophic cardiomyopathy 4. Also called: Familial hypertrophic cardiomyopathy 4. Identifiers: MedGen C1861862, MONDO:0007268, OMIM 115197.
Hypertrophic cardiomyopathy. Also called: HYPERTROPHIC MYOCARDIOPATHY. Identifiers: Orphanet 217569, MedGen C0007194, MeSH D002312, MONDO:0005045, HP:0001639.

Submissions (2):

Genomic Medicine Center of Excellence, King Faisal Specialist Hospital and Research Centre
Classification: Uncertain significance for Hypertrophic cardiomyopathy 4. Last evaluated: 2024-03-25. Review status: criteria provided, single submitter. Criteria: ACMG Guidelines, 2015. Collection method: clinical testing. Allele origin: germline.

Labcorp Genetics (formerly Invitae), Labcorp
Classification: Pathogenic for Hypertrophic cardiomyopathy. Last evaluated: 2022-12-24. Review status: criteria provided, single submitter. Criteria: Invitae Variant Classification Sherloc (09022015). Collection method: clinical testing. Allele origin: germline.
Comment: For these reasons, this variant has been classified as Pathogenic. ClinVar contains an entry for this variant (Variation ID: 454316). This premature translational stop signal has been observed in individual(s) with hypertrophic cardiomyopathy (PMID: 33407484). This variant is not present in population databases (gnomAD no frequency). This sequence change creates a premature translational stop signal (p.Glu838*) in the MYBPC3 gene. It is expected to result in an absent or disrupted protein product. Loss-of-function variants in MYBPC3 are known to be pathogenic (PMID: 19574547).

Literature cited by the submitters: PubMed 33407484 (cited by Labcorp Genetics (formerly Invitae), Labcorp); PubMed 19574547 (cited by Labcorp Genetics (formerly Invitae), Labcorp).